The following is an entry in ClinVar:

NM_005609.4(PYGM):c.2034del (p.Asn679fs)

Gene: PYGM (glycogen phosphorylase, muscle associated; minus strand). Cytogenetic location: 11q13.1.
Variant type: Deletion.
Coding change: c.2034del on transcript NM_005609.4 (MANE Select); coding-DNA position 2034, one base deleted (C; older notation c.2034delC).
Protein change: p.Asn679fs; shifts the reading frame from asparagine 679.
Molecular consequence: frameshift variant.
Genome position (GRCh38, 1-based): chr11:64,750,519, G deleted on the plus strand (C on the coding strand, the reverse complement: PYGM is on the minus strand). VCF-style (leftmost placement, unchanged base first): chr11-64750518-TG-T. GRCh37 (hg19) VCF-style: chr11-64517990-TG-T.
Other names: c.1770del, p.Asn591fs (NM_001164716.1); short protein forms N591fs, N679fs.
Identifiers: ClinVar variation 5015011 (VCV005015011.1).

ClinVar aggregate classification (germline): Pathogenic (1 of 4 stars; one submission).

Conditions:
Glycogen storage disease, type V (GSD5). Also called: MCARDLE DISEASE; MUSCLE GLYCOGEN PHOSPHORYLASE DEFICIENCY; MYOPHOSPHORYLASE DEFICIENCY; PYGM DEFICIENCY; McArdle type glycogen storage disease. Identifiers: Orphanet 368, MedGen C0017924, MONDO:0009293, OMIM 232600.

Submission:

Myriad Genetics, Inc.
Classification: Pathogenic for Glycogen storage disease, type V. Last evaluated: 2025-09-22. Review status: criteria provided, single submitter. Criteria: Myriad Autosomal Dominant, Autosomal Recessive and X-Linked Classification Criteria (2023). Collection method: clinical testing. Allele origin: unknown.
Comment: NM_005609.2(PYGM):c.2034delC(N679Tfs*2) is expected to be pathogenic in the context of glycogen storage disease, PYGM-related. This variant is predicted to lead to an abnormal or absent protein product due to the creation of a premature termination codon in PYGM, a gene where loss-of-function variants are known to be pathogenic. Please note: this variant was assessed in the context of healthy population screening.